The following is an entry in ClinVar:

ClinVar aggregate classification (germline): Uncertain significance (1 of 4 stars; one submission).

Conditions:
Inborn genetic diseases. Identifiers: MedGen C0950123, MeSH D030342.

Submission:

Ambry Genetics
Classification: Uncertain significance for Inborn genetic diseases. Last evaluated: 2023-08-01. Review status: criteria provided, single submitter. Criteria: Ambry Variant Classification Scheme 2023. Collection method: clinical testing. Allele origin: germline.
Comment: The p.S222F variant (also known as c.665C>T), located in coding exon 8 of the ERCC2 gene, results from a C to T substitution at nucleotide position 665. The serine at codon 222 is replaced by phenylalanine, an amino acid with highly dissimilar properties. This amino acid position is conserved. In addition, this alteration is predicted to be deleterious by in silico analysis. Since supporting evidence is limited at this time, the clinical significance of this alteration remains unclear.

NM_000400.4(ERCC2):c.665C>T (p.Ser222Phe)

Gene: ERCC2 (ERCC excision repair 2, TFIIH core complex helicase subunit; minus strand). Cytogenetic location: 19q13.32.
Variant type: single nucleotide variant.
Coding change: c.665C>T on transcript NM_000400.4 (MANE Select); coding-DNA position 665, C replaced by T.
Protein change: p.Ser222Phe; replaces serine 222 with phenylalanine.
Molecular consequence: missense variant.
Genome position (GRCh38, 1-based): chr19:45,364,477, G>A on the plus strand (C>T on the coding strand, the complement: ERCC2 is on the minus strand). VCF-style: chr19-45364477-G-A. GRCh37 (hg19) VCF-style: chr19-45867735-G-A.
Other names: c.593C>T, p.Ser198Phe (NM_001130867.2); short protein forms S222F, S198F.
Identifiers: ClinVar variation 2586786 (VCV002586786.2), dbSNP rs2123291744, ClinGen allele CA406374376.